The following is an entry in ClinVar:

NC_012920.1(MT-TC):m.5791G>A

Gene: MT-TC (mitochondrially encoded tRNA cysteine; minus strand).
Variant type: single nucleotide variant.
Genome position: chrM-5791-G-A.
Identifiers: ClinVar variation 689992 (VCV000689992.1), dbSNP rs1603220121, ClinGen allele CA658475697.

ClinVar aggregate classification (germline): Uncertain significance (1 of 4 stars; one submission).

Conditions:
MELAS syndrome (MELAS). Also called: Juvenile myopathy, encephalopathy, lactic acidosis, stroke. Identifiers: Orphanet 550, MedGen C0162671, MONDO:0010789, OMIM 540000.

Submission:

Wong Mito Lab, Molecular and Human Genetics, Baylor College of Medicine
Classification: Uncertain significance for MELAS syndrome. Last evaluated: 2019-07-12. Review status: criteria provided, single submitter. Criteria: Modified ACMG Guidelines (Unpublished). Collection method: clinical testing. Allele origin: germline.
Comment: The NC_012920.1:m.5791G>A variant in MT-TC gene is interpreted to be a Unknown Significance variant based on the modified ACMG guidelines (unpublished). This variant meets the following evidence codes reported in the guidelines: PP3, PP6, PP7

Literature cited by the submitters: PubMed 31965079.